The following is an entry in ClinVar:

NM_003740.4(KCNK5):c.994G>A (p.Gly332Ser)

Gene: KCNK5 (potassium two pore domain channel subfamily K member 5; minus strand). Cytogenetic location: 6p21.2.
Variant type: single nucleotide variant.
Coding change: c.994G>A on transcript NM_003740.4 (MANE Select); coding-DNA position 994, G replaced by A.
Protein change: p.Gly332Ser; replaces glycine 332 with serine.
Molecular consequence: missense variant.
Genome position (GRCh38, 1-based): chr6:39,191,396, C>T on the plus strand (G>A on the coding strand, the complement: KCNK5 is on the minus strand). VCF-style: chr6-39191396-C-T. GRCh37 (hg19) VCF-style: chr6-39159172-C-T.
Other names: short protein forms G332S.
Identifiers: ClinVar variation 3054894 (VCV003054894.2), dbSNP rs201768235, ClinGen allele CA3792734.

ClinVar aggregate classification (germline): Likely benign (0 of 4 stars; one submission).

Conditions:
KCNK5-related disorder. Also called: KCNK5-related condition.

Allele frequency attached by ClinVar (database versions not stated): ESP Exome Variant Server 0.00015; ExAC 0.00019; gnomAD 0.00048; TOPMed 0.00067; 1000 Genomes Project 0.00120; 1000 Genomes Project 30x 0.00125.

Submission:

PreventionGenetics, part of Exact Sciences
Classification: Likely benign for KCNK5-related condition. Last evaluated: 2022-05-09. Review status: no assertion criteria provided. Collection method: clinical testing. Allele origin: germline.
Comment: This variant is classified as likely benign based on ACMG/AMP sequence variant interpretation guidelines (Richards et al. 2015 PMID: 25741868, with internal and published modifications).